The following is an entry in ClinVar:

NM_004329.3(BMPR1A):c.1146C>T (p.Gly382=)

Gene: BMPR1A (bone morphogenetic protein receptor type 1A; plus strand). Cytogenetic location: 10q23.2.
Variant type: single nucleotide variant.
Coding change: c.1146C>T on transcript NM_004329.3 (MANE Select); coding-DNA position 1146, C replaced by T.
Protein change: p.Gly382=; no amino-acid change (glycine 382 retained).
Molecular consequence: synonymous variant. On other transcripts: non-coding transcript variant (3).
Genome position (GRCh38, 1-based): chr10:86,919,449, C>T. VCF-style: chr10-86919449-C-T. GRCh37 (hg19) VCF-style: chr10-88679206-C-T.
Other names: c.1146C>T, p.Gly382= (NM_001406576.1, NM_001406577.1, NM_001406578.1 and 19 more transcripts); c.1140C>T, p.Gly380= (NM_001406583.1); c.1062C>T, p.Gly354= (NM_001406584.1, NM_001406585.1, NM_001406586.1 and 2 more transcripts); c.804C>T, p.Gly268= (NM_001406589.1); c.1221C>T, p.Gly407= (NM_001406559.1); c.1194C>T, p.Gly398= (NM_001406560.1).
Identifiers: ClinVar variation 1732589 (VCV001732589.3), dbSNP rs786203626, ClinGen allele CA470308184.

ClinVar aggregate classification (germline): Benign/Likely benign. Review status: criteria provided, multiple submitters, no conflicts (2 of 4 stars). 2 submissions from 2 submitters: Benign (1); Likely benign (1). Last evaluated 2024-08-06.

Conditions:
Hereditary cancer-predisposing syndrome. Also called: Neoplastic Syndromes, Hereditary; Tumor predisposition; Hereditary Cancer Syndrome; Hereditary neoplastic syndrome. Identifiers: Orphanet 140162, MedGen C0027672, MeSH D009386, MONDO:0015356.
Juvenile polyposis syndrome (JPS). Identifiers: Orphanet 2929, MedGen C0345893, MONDO:0017380, OMIM 174900.

Submissions (2):

Myriad Genetics, Inc.
Classification: Benign for Juvenile polyposis syndrome. Last evaluated: 2024-08-06. Review status: criteria provided, single submitter. Criteria: Myriad Autosomal Dominant, Autosomal Recessive and X-Linked Classification Criteria (2023). Collection method: clinical testing. Allele origin: unknown.
Comment: This variant is considered benign. This variant is a silent/synonymous amino acid change and it is not expected to impact splicing.

Ambry Genetics
Classification: Likely benign for Hereditary cancer-predisposing syndrome. Last evaluated: 2022-05-26. Review status: criteria provided, single submitter. Criteria: Ambry Variant Classification Scheme 2023. Collection method: clinical testing. Allele origin: germline.